The following is an entry in ClinVar:

NM_019109.5(ALG1):c.1073G>C (p.Gly358Ala)

Gene: ALG1 (ALG1 chitobiosyldiphosphodolichol beta-mannosyltransferase; plus strand). Cytogenetic location: 16p13.3.
Variant type: single nucleotide variant.
Coding change: c.1073G>C on transcript NM_019109.5 (MANE Select); coding-DNA position 1073, G replaced by C.
Protein change: p.Gly358Ala; replaces glycine 358 with alanine.
Molecular consequence: missense variant.
Genome position (GRCh38, 1-based): chr16:5,082,559, G>C. VCF-style: chr16-5082559-G-C. GRCh37 (hg19) VCF-style: chr16-5132560-G-C.
Other names: c.740G>C, p.Gly247Ala (NM_001330504.2); short protein forms G247A, G358A.
Identifiers: ClinVar variation 1981335 (VCV001981335.3), dbSNP rs2505872032, ClinGen allele CA394673706.

ClinVar aggregate classification (germline): Uncertain significance (1 of 4 stars; one submission).

Conditions:
ALG1-congenital disorder of glycosylation. Also called: CONGENITAL DISORDER OF GLYCOSYLATION, TYPE Ik; CDG Ik; ALG1-CDG. Identifiers: Orphanet 79327, MedGen C2931005, MONDO:0012052, OMIM 608540.

Submission:

Labcorp Genetics (formerly Invitae), Labcorp
Classification: Uncertain significance for ALG1-congenital disorder of glycosylation. Last evaluated: 2024-02-23. Review status: criteria provided, single submitter. Criteria: Invitae Variant Classification Sherloc (09022015). Collection method: clinical testing. Allele origin: germline.
Comment: This sequence change replaces glycine, which is neutral and non-polar, with alanine, which is neutral and non-polar, at codon 358 of the ALG1 protein (p.Gly358Ala). This variant is not present in population databases (gnomAD no frequency). This variant has not been reported in the literature in individuals affected with ALG1-related conditions. ClinVar contains an entry for this variant (Variation ID: 1981335). An algorithm developed to predict the effect of missense changes on protein structure and function (PolyPhen-2) suggests that this variant is likely to be disruptive. Algorithms developed to predict the effect of sequence changes on RNA splicing suggest that this variant may disrupt the consensus splice site. In summary, the available evidence is currently insufficient to determine the role of this variant in disease. Therefore, it has been classified as a Variant of Uncertain Significance.